The following is an entry in ClinVar:

ClinVar aggregate classification (germline): Uncertain significance (1 of 4 stars; one submission).

Allele frequency attached by ClinVar (database versions not stated): gnomAD exomes below 0.00001.
gnomAD v4.1: 3 of 1,613,830 alleles (0.00019%); highest among the groups gnomAD compares: Non-Finnish European, 0.00025%; no homozygotes.

Submission:

Labcorp Genetics (formerly Invitae), Labcorp
Classification: Uncertain significance. Last evaluated: 2025-11-12. Review status: criteria provided, single submitter. Criteria: Invitae Variant Classification Sherloc (09022015). Collection method: clinical testing. Allele origin: germline.
Comment: This sequence change replaces proline, which is neutral and non-polar, with alanine, which is neutral and non-polar, at codon 865 of the CACNA1D protein (p.Pro865Ala). This variant is not present in population databases (gnomAD no frequency). This variant has not been reported in the literature in individuals affected with CACNA1D-related conditions. ClinVar contains an entry for this variant (Variation ID: 3003127). Invitae Evidence Modeling of protein sequence and biophysical properties (such as structural, functional, and spatial information, amino acid conservation, physicochemical variation, residue mobility, and thermodynamic stability) indicates that this missense variant is not expected to disrupt CACNA1D protein function with a negative predictive value of 80%. In summary, the available evidence is currently insufficient to determine the role of this variant in disease. Therefore, it has been classified as a Variant of Uncertain Significance.

NM_001128840.3(CACNA1D):c.2533C>G (p.Pro845Ala)

Gene: CACNA1D (calcium voltage-gated channel subunit alpha1 D; plus strand). Cytogenetic location: 3p21.1.
Variant type: single nucleotide variant.
Coding change: c.2533C>G on transcript NM_001128840.3 (MANE Select); coding-DNA position 2533, C replaced by G.
Protein change: p.Pro845Ala; replaces proline 845 with alanine.
Molecular consequence: missense variant.
Genome position (GRCh38, 1-based): chr3:53,732,874, C>G. VCF-style: chr3-53732874-C-G. GRCh37 (hg19) VCF-style: chr3-53766901-C-G.
Other names: c.2593C>G, p.Pro865Ala (NM_000720.4); c.2533C>G, p.Pro845Ala (NM_001128839.3); short protein forms P865A, P845A.
Identifiers: ClinVar variation 3003127 (VCV003003127.3), dbSNP rs1559591087, ClinGen allele CA353241523.
Genomic context (GRCh38, chr3:53,732,874, plus strand): 5'-GTAGGGGAAGAGGAAGAGGAAGAGGAGGAGGATGAACCTGAGGTTCCTGCCGGACCCCGT[C>G]CTCGAAGGATCTCGGAGTTGAACATGAAGGAAAAAATTGCCCCCATCCCTGAAGGGAGCG-3'
Protein context (NP_001122312.1, residues 835-855): DEPEVPAGPR[Pro845Ala]RRISELNMKE